The following is an entry in ClinVar:

ClinVar aggregate classification (germline): Benign (0 of 4 stars; one submission).

Conditions:
ZC3H4-related disorder. Also called: ZC3H4-related condition.

Allele frequency attached by ClinVar (database versions not stated): 1000 Genomes Project 30x 0.00609; 1000 Genomes Project 0.00619; TOPMed 0.01439; gnomAD 0.01545; ExAC 0.01851; ESP Exome Variant Server 0.01977; gnomAD exomes 0.02245.
gnomAD v4.1: 35,023 of 1,610,312 alleles (2.2%); highest among the groups gnomAD compares: Non-Finnish European, 2.6%; 474 homozygotes.

Submission:

PreventionGenetics, part of Exact Sciences
Classification: Benign for ZC3H4-related condition. Last evaluated: 2019-11-18. Review status: no assertion criteria provided. Collection method: clinical testing. Allele origin: germline.
Comment: This variant is classified as benign based on ACMG/AMP sequence variant interpretation guidelines (Richards et al. 2015 PMID: 25741868, with internal and published modifications).

NM_015168.2(ZC3H4):c.3182C>T (p.Ala1061Val)

Gene: ZC3H4 (zinc finger CCCH-type containing 4; minus strand). Cytogenetic location: 19q13.32.
Variant type: single nucleotide variant.
Coding change: c.3182C>T on transcript NM_015168.2 (MANE Select); coding-DNA position 3182, C replaced by T.
Protein change: p.Ala1061Val; replaces alanine 1061 with valine.
Molecular consequence: missense variant.
Genome position (GRCh38, 1-based): chr19:47,067,086, G>A on the plus strand (C>T on the coding strand, the complement: ZC3H4 is on the minus strand). VCF-style: chr19-47067086-G-A. GRCh37 (hg19) VCF-style: chr19-47570343-G-A.
Other names: short protein forms A1061V.
Identifiers: ClinVar variation 3037877 (VCV003037877.2), dbSNP rs141514527, ClinGen allele CA9534675.